The following is an entry in ClinVar:

NM_020778.5(ALPK3):c.77A>C (p.Asp26Ala)

Gene: ALPK3 (alpha kinase 3; plus strand). Cytogenetic location: 15q25.3.
Variant type: single nucleotide variant.
Coding change: c.77A>C on transcript NM_020778.5 (MANE Select); coding-DNA position 77, A replaced by C.
Protein change: p.Asp26Ala; replaces aspartic acid 26 with alanine.
Molecular consequence: missense variant.
Genome position (GRCh38, 1-based): chr15:84,817,529, A>C. VCF-style: chr15-84817529-A-C. GRCh37 (hg19) VCF-style: chr15-85360760-A-C.
Other names: short protein forms D26A.
Identifiers: ClinVar variation 3729602 (VCV003729602.2).

ClinVar aggregate classification (germline): Uncertain significance (1 of 4 stars; one submission).

Submission:

Labcorp Genetics (formerly Invitae), Labcorp
Classification: Uncertain significance. Last evaluated: 2025-01-26. Review status: criteria provided, single submitter. Criteria: Invitae Variant Classification Sherloc (09022015). Collection method: clinical testing. Allele origin: germline.
Comment: This sequence change replaces aspartic acid, which is acidic and polar, with alanine, which is neutral and non-polar, at codon 228 of the ALPK3 protein (p.Asp228Ala). This variant is not present in population databases (gnomAD no frequency). This variant has not been reported in the literature in individuals affected with ALPK3-related conditions. An algorithm developed to predict the effect of missense changes on protein structure and function (PolyPhen-2) suggests that this variant is likely to be tolerated. In summary, the available evidence is currently insufficient to determine the role of this variant in disease. Therefore, it has been classified as a Variant of Uncertain Significance.